The following is an entry in ClinVar:

ClinVar aggregate classification (germline): Uncertain significance. Review status: criteria provided, multiple submitters, no conflicts (2 of 4 stars). 3 submissions from 3 submitters: Uncertain significance (3). Last evaluated 2025-06-13.

Conditions:
Cardiovascular phenotype. Identifiers: MedGen CN230736.
Long QT syndrome (LQTS). Identifiers: MedGen C0023976, MeSH D008133, MONDO:0002442. Disease mechanism: loss of function. Inheritance: Various modes of inheritance.

Allele frequency attached by ClinVar (database versions not stated): gnomAD 0.00001; gnomAD exomes 0.00001; TOPMed 0.00001; ExAC 0.00002.
gnomAD v4.1: 10 of 1,613,854 alleles (0.00062%); highest among the groups gnomAD compares: Middle Eastern, 0.016%; no homozygotes.

Submissions (3):

GeneDx
Classification: Uncertain significance. Last evaluated: 2025-06-13. Review status: criteria provided, single submitter. Criteria: GeneDx Variant Classification Process June 2021. Collection method: clinical testing. Allele origin: germline. Affected: yes.
Comment: Not observed at significant frequency in large population cohorts (gnomAD); In silico analysis supports that this missense variant has a deleterious effect on protein structure/function; Has not been previously published as pathogenic or benign to our knowledge; Located in exon 38, which is reported as being expressed in a brain-specific transcript (PMID: 1830053, 18790697, 26109584); This variant is associated with the following publications: (PMID: 1830053, 18790697, 26109584)

Labcorp Genetics (formerly Invitae), Labcorp
Classification: Uncertain significance for Long QT syndrome. Last evaluated: 2025-04-20. Review status: criteria provided, single submitter. Criteria: Invitae Variant Classification Sherloc (09022015). Collection method: clinical testing. Allele origin: germline.
Comment: This sequence change replaces arginine, which is basic and polar, with glycine, which is neutral and non-polar, at codon 3408 of the ANK2 protein (p.Arg3408Gly). The frequency data for this variant in the population databases is considered unreliable, as metrics indicate poor data quality at this position in the gnomAD database. This variant has not been reported in the literature in individuals affected with ANK2-related conditions. ClinVar contains an entry for this variant (Variation ID: 962326). An algorithm developed to predict the effect of missense changes on protein structure and function (PolyPhen-2) suggests that this variant is likely to be tolerated. In summary, the available evidence is currently insufficient to determine the role of this variant in disease. Therefore, it has been classified as a Variant of Uncertain Significance.

Ambry Genetics
Classification: Uncertain significance for Cardiovascular phenotype. Last evaluated: 2025-01-08. Review status: criteria provided, single submitter. Criteria: Ambry Variant Classification Scheme 2023. Collection method: clinical testing. Allele origin: germline.

NM_001148.6(ANK2):c.10222C>G (p.Arg3408Gly)

Gene: ANK2 (ankyrin 2; plus strand). Cytogenetic location: 4q26.
Variant type: single nucleotide variant.
Coding change: c.10222C>G on transcript NM_001148.6 (MANE Select); coding-DNA position 10222, C replaced by G.
Protein change: p.Arg3408Gly; replaces arginine 3408 with glycine.
Molecular consequence: missense variant. On other transcripts: intron variant (68).
Genome position (GRCh38, 1-based): chr4:113,358,840, C>G. VCF-style: chr4-113358840-C-G. GRCh37 (hg19) VCF-style: chr4-114279996-C-G.
Other names: c.9988C>G, p.Arg3330Gly (NM_001386142.1); c.6622C>G, p.Arg2208Gly (NM_001386166.1); c.10363C>G, p.Arg3455Gly (NM_001386174.1); c.10339C>G, p.Arg3447Gly (NM_001386175.1); c.4412-1983C>G (NM_001386186.2, NM_001386148.2); c.4214-1983C>G (NM_001354269.3); c.4292-1983C>G (NM_001386187.2); c.4253-1983C>G (NM_001386147.1); and 35 more; short protein forms R3408G, R2208G, R3330G, R3447G, R3455G.
Identifiers: ClinVar variation 962326 (VCV000962326.11), dbSNP rs773715451, ClinGen allele CA3052040.